The following is an entry in ClinVar:

ClinVar aggregate classification (germline): Pathogenic (1 of 4 stars; one submission).

Conditions:
Hypertrophic cardiomyopathy. Also called: HYPERTROPHIC MYOCARDIOPATHY. Identifiers: Orphanet 217569, MedGen C0007194, MeSH D002312, MONDO:0005045, HP:0001639.

Submission:

Labcorp Genetics (formerly Invitae), Labcorp
Classification: Pathogenic for Hypertrophic cardiomyopathy. Last evaluated: 2025-11-02. Review status: criteria provided, single submitter. Criteria: Invitae Variant Classification Sherloc (09022015). Collection method: clinical testing. Allele origin: germline.
Comment: This sequence change creates a premature translational stop signal (p.Ala105Profs*50) in the MYBPC3 gene. It is expected to result in an absent or disrupted protein product. Loss-of-function variants in MYBPC3 are known to be pathogenic (PMID: 19574547). This variant is not present in population databases (gnomAD no frequency). This variant has not been reported in the literature in individuals affected with MYBPC3-related conditions. For these reasons, this variant has been classified as Pathogenic.

Literature cited by the submitters: PubMed 19574547.

NM_000256.3(MYBPC3):c.313_325del (p.Ala105fs)

Gene: MYBPC3 (myosin binding protein C3; minus strand). Cytogenetic location: 11p11.2.
Variant type: Deletion.
Coding change: c.313_325del on transcript NM_000256.3 (MANE Select); coding-DNA positions 313 to 325, 13 bases deleted (GCCCCTGCCCCTG).
Protein change: p.Ala105fs; shifts the reading frame from alanine 105.
Molecular consequence: frameshift variant.
Genome position (GRCh38, 1-based): chr11:47,350,583-47,350,595, CAGGGGCAGGGGC deleted on the plus strand (GCCCCTGCCCCTG on the coding strand, the reverse complement: MYBPC3 is on the minus strand); deleting any 13 consecutive bases within chr11:47,350,583-47,350,598 gives the same sequence; the c. name uses the placement nearest the transcript's 3' end. VCF-style (leftmost placement, unchanged base first): chr11-47350582-GCAGGGGCAGGGGC-G. GRCh37 (hg19) VCF-style: chr11-47372133-GCAGGGGCAGGGGC-G.
Other names: short protein forms A105fs.
Identifiers: ClinVar variation 4730327 (VCV004730327.1).